The following is an entry in ClinVar:

ClinVar aggregate classification (germline): Pathogenic (1 of 4 stars; one submission).

Submission:

Labcorp Genetics (formerly Invitae), Labcorp
Classification: Pathogenic. Last evaluated: 2023-04-28. Review status: criteria provided, single submitter. Criteria: Invitae Variant Classification Sherloc (09022015). Collection method: clinical testing. Allele origin: germline.
Comment: This sequence change creates a premature translational stop signal (p.Ser615*) in the LIFR gene. It is expected to result in an absent or disrupted protein product. Loss-of-function variants in LIFR are known to be pathogenic (PMID: 14740318). This variant is not present in population databases (gnomAD no frequency). This variant has not been reported in the literature in individuals affected with LIFR-related conditions. For these reasons, this variant has been classified as Pathogenic.

Literature cited by the submitters: PubMed 14740318.

NM_001127671.2(LIFR):c.1844C>G (p.Ser615Ter)

Gene: LIFR (LIF receptor subunit alpha; minus strand). Cytogenetic location: 5p13.1.
Variant type: single nucleotide variant.
Coding change: c.1844C>G on transcript NM_001127671.2 (MANE Select); coding-DNA position 1844, C replaced by G.
Protein change: p.Ser615Ter; replaces serine 615 with a stop codon.
Molecular consequence: nonsense.
Genome position (GRCh38, 1-based): chr5:38,496,423, G>C on the plus strand (C>G on the coding strand, the complement: LIFR is on the minus strand). VCF-style: chr5-38496423-G-C. GRCh37 (hg19) VCF-style: chr5-38496525-G-C.
Other names: c.1844C>G, p.Ser615Ter (NM_001364297.2, NM_001364298.2, NM_002310.6); short protein forms S615*.
Identifiers: ClinVar variation 2860316 (VCV002860316.3), dbSNP rs1744878590, ClinGen allele CA359539682.
Genomic context (GRCh38, chr5:38,496,423, plus strand): 5'-AATCATCTCAAGCACTCACCATTTGGAATTTCCATACTCGCTATTTTGGAAGGTGGTGAT[G>C]AGCCCACAGAATTTTTAGCCACTACGCTGATGATGTAGTCATTCTTATCAAGTCGTATCT-3'